The following is an entry in ClinVar:

NM_014845.6(FIG4):c.1272-10C>G

Gene: FIG4 (FIG4 phosphoinositide 5-phosphatase; plus strand). Cytogenetic location: 6q21.
Variant type: single nucleotide variant.
Coding change: c.1272-10C>G on transcript NM_014845.6 (MANE Select); 10 bases into the intron before coding-DNA position 1272, C replaced by G.
Molecular consequence: intron variant.
Genome position (GRCh38, 1-based): chr6:109,762,081, C>G. VCF-style: chr6-109762081-C-G. GRCh37 (hg19) VCF-style: chr6-110083284-C-G.
Identifiers: ClinVar variation 355039 (VCV000355039.17), dbSNP rs201293291, ClinGen allele CA3956032.

ClinVar aggregate classification (germline): Conflicting classifications of pathogenicity. Review status: criteria provided, conflicting classifications (1 of 4 stars). 5 submissions from 4 submitters: Uncertain significance (2); Likely benign (2). 1 of the submissions does not count toward it. Last evaluated 2026-01-07.

Conditions:
FIG4-related disorder. Also called: FIG4-related condition; FIG4-related disorders.
Charcot-Marie-Tooth disease type 4. Also called: Charcot-Marie-Tooth disease, type IV; Charcot-Marie-Tooth, Type 4. Identifiers: Orphanet 64749, MedGen C4082197, MONDO:0018995.
Amyotrophic lateral sclerosis type 11 (ALS11). Identifiers: Orphanet 803, MedGen C2675491, MONDO:0012945, OMIM 612577.
Charcot-Marie-Tooth disease type 4J (CMT4J). Also called: Charcot-Marie-Tooth Neuropathy Type 4J; CHARCOT-MARIE-TOOTH DISEASE, AUTOSOMAL RECESSIVE, TYPE 4J; CHARCOT-MARIE-TOOTH DISEASE, DEMYELINATING, TYPE 4J. Identifiers: Orphanet 139515, MedGen C1970011, MONDO:0012640, OMIM 611228.
Charcot-Marie-Tooth disease. Also called: Charcot-Marie-Tooth Neuropathy; Charcot-Marie-Tooth Hereditary Neuropathy. Identifiers: Orphanet 166, MedGen C0007959, MONDO:0015626.

Allele frequency attached by ClinVar (database versions not stated): TOPMed 0.00008.
gnomAD v4.1: 156 of 1,537,532 alleles (0.01%); highest among the groups gnomAD compares: Non-Finnish European, 0.013%; no homozygotes.

Submissions (5):

Labcorp Genetics (formerly Invitae), Labcorp
Classification: Likely benign for Charcot-Marie-Tooth disease type 4. Last evaluated: 2026-01-07. Review status: criteria provided, single submitter. Criteria: Invitae Variant Classification Sherloc (09022015). Collection method: clinical testing. Allele origin: germline.

Illumina Laboratory Services, Illumina
Classification: Uncertain significance for Amyotrophic lateral sclerosis type 11. Last evaluated: 2018-01-12. Review status: criteria provided, single submitter. Criteria: ICSL Variant Classification Criteria 13 December 2019. Collection method: clinical testing. Allele origin: germline.

Illumina Laboratory Services, Illumina
Classification: Uncertain significance for Charcot-Marie-Tooth disease type 4J. Last evaluated: 2018-01-12. Review status: criteria provided, single submitter. Criteria: ICSL Variant Classification Criteria 13 December 2019. Collection method: clinical testing. Allele origin: germline.

Molecular Genetics Laboratory, London Health Sciences Centre
Classification: Likely benign for Charcot-Marie-Tooth disease. Review status: criteria provided, single submitter. Criteria: ACMG Guidelines, 2015. Collection method: clinical testing. Allele origin: germline. Affected: yes.

PreventionGenetics, part of Exact Sciences
Classification: Likely benign for FIG4-related condition. Last evaluated: 2024-05-16. Review status: no assertion criteria provided. Collection method: clinical testing. Allele origin: germline. Not counted in ClinVar's aggregate classification.
Comment: This variant is classified as likely benign based on ACMG/AMP sequence variant interpretation guidelines (Richards et al. 2015 PMID: 25741868, with internal and published modifications).